The following is an entry in ClinVar:

ClinVar aggregate classification (germline): Benign/Likely benign. Review status: criteria provided, multiple submitters, no conflicts (2 of 4 stars). 3 submissions from 3 submitters: Benign (2); Likely benign (1). Last evaluated 2025-10-13.

Allele frequency attached by ClinVar (database versions not stated): gnomAD exomes 0.00012 and 0.00033; ExAC 0.00046; gnomAD 0.00146 and 0.00155; TOPMed 0.00169; ESP Exome Variant Server 0.00177; 1000 Genomes Project 0.00200; 1000 Genomes Project 30x 0.00219.
gnomAD v4.1: 408 of 1,613,988 alleles (0.025%); highest among the groups gnomAD compares: African/African-American, 0.46%; no homozygotes.

Submissions (3):

Labcorp Genetics (formerly Invitae), Labcorp
Classification: Benign. Last evaluated: 2025-10-13. Review status: criteria provided, single submitter. Criteria: Invitae Variant Classification Sherloc (09022015). Collection method: clinical testing. Allele origin: germline.

Mayo Clinic Laboratories, Mayo Clinic
Classification: Likely benign. Last evaluated: 2024-12-30. Review status: criteria provided, single submitter. Criteria: ACMG Guidelines, 2015. Collection method: clinical testing. Allele origin: germline. Observed: 1 variant allele.
Comment: BS1, BP4, BP7

Breakthrough Genomics
Classification: Benign. Review status: criteria provided, single submitter. Criteria: ACMG Guidelines, 2015. Collection method: not provided. Allele origin: germline. Inheritance: Autosomal dominant inheritance. Affected: yes.

NM_001256071.3(RNF213):c.9369C>T (p.Leu3123=)

Gene: RNF213 (ring finger protein 213; plus strand). Cytogenetic location: 17q25.3.
Variant type: single nucleotide variant.
Coding change: c.9369C>T on transcript NM_001256071.3 (MANE Select); coding-DNA position 9369, C replaced by T.
Protein change: p.Leu3123=; no amino-acid change (leucine 3123 retained).
Molecular consequence: synonymous variant.
Genome position (GRCh38, 1-based): chr17:80,347,704, C>T. VCF-style: chr17-80347704-C-T. GRCh37 (hg19) VCF-style: chr17-78321504-C-T.
Other names: p.Leu3123=.
Identifiers: ClinVar variation 720760 (VCV000720760.9), dbSNP rs115135971, ClinGen allele CA8821110.